The following is an entry in ClinVar:

ClinVar aggregate classification (germline): Uncertain significance (1 of 4 stars; one submission).

Allele frequency attached by ClinVar (database versions not stated): gnomAD 0.00001; ExAC 0.00001; gnomAD exomes below 0.00001; TOPMed 0.00001.
gnomAD v4.1: 4 of 1,613,946 alleles (0.00025%); highest among the groups gnomAD compares: Non-Finnish European, 0.00017%; no homozygotes.

Submission:

GeneDx
Classification: Uncertain significance. Last evaluated: 2020-03-07. Review status: criteria provided, single submitter. Criteria: GeneDx Variant Classification Process June 2021. Collection method: clinical testing. Allele origin: germline. Affected: yes.
Comment: In silico analysis supports that this missense variant has a deleterious effect on protein structure/function; Has not been previously published as pathogenic or benign to our knowledge

NM_001271.4(CHD2):c.191C>T (p.Ser64Leu)

Gene: CHD2 (chromodomain helicase DNA binding protein 2; plus strand). Cytogenetic location: 15q26.1.
Variant type: single nucleotide variant.
Coding change: c.191C>T on transcript NM_001271.4 (MANE Select); coding-DNA position 191, C replaced by T.
Protein change: p.Ser64Leu; replaces serine 64 with leucine.
Molecular consequence: missense variant.
Genome position (GRCh38, 1-based): chr15:92,924,449, C>T. VCF-style: chr15-92924449-C-T. GRCh37 (hg19) VCF-style: chr15-93467679-C-T.
Other names: c.191C>T, p.Ser64Leu (NM_001042572.3); short protein forms S64L.
Identifiers: ClinVar variation 1303167 (VCV001303167.2), dbSNP rs759974626, ClinGen allele CA7747455.